The following is an entry in ClinVar:

NM_004082.5(DCTN1):c.1054G>C (p.Asp352His)

Gene: DCTN1 (dynactin subunit 1; minus strand). Cytogenetic location: 2p13.1.
Variant type: single nucleotide variant.
Coding change: c.1054G>C on transcript NM_004082.5 (MANE Select); coding-DNA position 1054, G replaced by C.
Protein change: p.Asp352His; replaces aspartic acid 352 with histidine.
Molecular consequence: missense variant. On other transcripts: non-coding transcript variant (1).
Genome position (GRCh38, 1-based): chr2:74,370,539, C>G on the plus strand (G>C on the coding strand, the complement: DCTN1 is on the minus strand). VCF-style: chr2-74370539-C-G. GRCh37 (hg19) VCF-style: chr2-74597666-C-G.
Other names: c.994G>C, p.Asp332His (NM_001135040.3); c.652G>C, p.Asp218His (NM_001135041.3, NM_023019.4); c.943G>C, p.Asp315His (NM_001190836.2); c.1033G>C, p.Asp345His (NM_001190837.2); c.1003G>C, p.Asp335His (NM_001378991.1); c.985G>C, p.Asp329His (NM_001378992.1); short protein forms D345H, D315H, D329H, D335H, D218H, D332H, D352H.
Identifiers: ClinVar variation 1976480 (VCV001976480.5), dbSNP rs2529158427, ClinGen allele CA347363484.

ClinVar aggregate classification (germline): Uncertain significance (1 of 4 stars; one submission).

Conditions:
Amyotrophic lateral sclerosis type 1 (ALS1). Also called: AMYOTROPHIC LATERAL SCLEROSIS 1, FAMILIAL. Identifiers: Orphanet 803, MedGen C1862939, MONDO:0007103, OMIM 105400.
Neuronopathy, distal hereditary motor, type 7B. Also called: HMN VIIB; NEURONOPATHY, DISTAL HEREDITARY MOTOR, AUTOSOMAL DOMINANT 14; NEURONOPATHY, DISTAL HEREDITARY MOTOR, HARDING TYPE VIIB; NEUROPATHY, DISTAL HEREDITARY MOTOR, HARDING TYPE VIIB; NEUROPATHY, DISTAL HEREDITARY MOTOR, WITH VOCAL CORD PARALYSIS, HARDING TYPE VIIB; LOWER MOTOR NEURON DISEASE, DYNACTIN TYPE. Identifiers: Orphanet 139589, MedGen C1843315, MONDO:0011879, OMIM 607641.
Perry syndrome. Also called: PARKINSONISM WITH ALVEOLAR HYPOVENTILATION AND MENTAL DEPRESSION. Identifiers: Orphanet 178509, MedGen C1868594, MONDO:0008201, OMIM 168605.

Submission:

Labcorp Genetics (formerly Invitae), Labcorp
Classification: Uncertain significance for Amyotrophic lateral sclerosis type 1; Neuronopathy, distal hereditary motor, type 7B; Perry syndrome. Last evaluated: 2022-09-22. Review status: criteria provided, single submitter. Criteria: Invitae Variant Classification Sherloc (09022015). Collection method: clinical testing. Allele origin: germline.
Comment: In summary, the available evidence is currently insufficient to determine the role of this variant in disease. Therefore, it has been classified as a Variant of Uncertain Significance. This variant has not been reported in the literature in individuals affected with DCTN1-related conditions. Advanced modeling of protein sequence and biophysical properties (such as structural, functional, and spatial information, amino acid conservation, physicochemical variation, residue mobility, and thermodynamic stability) performed at Invitae indicates that this missense variant is expected to disrupt DCTN1 protein function. This variant is not present in population databases (gnomAD no frequency). This sequence change replaces aspartic acid, which is acidic and polar, with histidine, which is basic and polar, at codon 352 of the DCTN1 protein (p.Asp352His). Algorithms developed to predict the effect of sequence changes on RNA splicing suggest that this variant may disrupt the consensus splice site.